The following is an entry in ClinVar:

NM_015335.5(MED13L):c.4955+16A>T

Gene: MED13L (mediator complex subunit 13L; minus strand). Cytogenetic location: 12q24.21.
Variant type: single nucleotide variant.
Coding change: c.4955+16A>T on transcript NM_015335.5 (MANE Select); 16 bases into the intron after coding-DNA position 4955, A replaced by T.
Molecular consequence: intron variant.
Genome position (GRCh38, 1-based): chr12:115,983,101, T>A on the plus strand (A>T on the coding strand, the complement: MED13L is on the minus strand). VCF-style: chr12-115983101-T-A. GRCh37 (hg19) VCF-style: chr12-116420906-T-A.
Identifiers: ClinVar variation 1804802 (VCV001804802.1), dbSNP rs2499825649, ClinGen allele CA2580085859.

ClinVar aggregate classification (germline): Uncertain significance (1 of 4 stars; one submission).

Submission:

Women's Health and Genetics/Laboratory Corporation of America, LabCorp
Classification: Uncertain significance. Last evaluated: 2022-11-04. Review status: criteria provided, single submitter. Criteria: LabCorp Variant Classification Summary - May 2015. Collection method: clinical testing. Allele origin: germline.
Comment: Variant summary: MED13L c.4955+16A>T alters a non-conserved nucleotide located close to a canonical splice site and therefore could affect mRNA splicing, leading to a significantly altered protein sequence. 2/4 computational tools predict the variant creates a cryptic 3' acceptor site. However, these predictions have yet to be confirmed by functional studies. The variant was absent in 249754 control chromosomes (gnomAD). The available data on variant occurrences in the general population are insufficient to allow any conclusion about variant significance. To our knowledge, no occurrence of c.4955+16A>T in individuals affected with Intellectual Disability And Distinctive Facial Features With Or Without Cardiac Defects and no experimental evidence demonstrating its impact on protein function have been reported. No clinical diagnostic laboratories have submitted clinical-significance assessments for this variant to ClinVar after 2014. Based on the evidence outlined above, the variant was classified as uncertain significance.